The following is an entry in ClinVar:

ClinVar aggregate classification (germline): Benign/Likely benign. Review status: criteria provided, multiple submitters, no conflicts (2 of 4 stars). 5 submissions from 5 submitters: Benign (2); Likely benign (2). 1 of the submissions does not count toward it. Last evaluated 2026-01-29.

Conditions:
P4HB-related disorder. Also called: P4HB-related condition.
Cole-Carpenter syndrome 1 (CLCRP1). Also called: BONE FRAGILITY WITH CRANIOSYNOSTOSIS, OCULAR PROPTOSIS, HYDROCEPHALUS, AND DISTINCTIVE FACIAL FEATURES. Identifiers: Orphanet 2050, MedGen C4317154, MONDO:0007204, OMIM 112240.

Allele frequency attached by ClinVar (database versions not stated): gnomAD exomes 0.00111 and 0.00286; ExAC 0.00358; 1000 Genomes Project 0.00859; 1000 Genomes Project 30x 0.00984; gnomAD 0.01131 and 0.01225; TOPMed 0.01303; ESP Exome Variant Server 0.01346.
gnomAD v4.1: 3,393 of 1,614,008 alleles (0.21%); highest among the groups gnomAD compares: African/African-American, 4%; 54 homozygotes.

Submissions (5):

Labcorp Genetics (formerly Invitae), Labcorp
Classification: Benign. Last evaluated: 2026-01-29. Review status: criteria provided, single submitter. Criteria: Invitae Variant Classification Sherloc (09022015). Collection method: clinical testing. Allele origin: germline.

ARUP Laboratories, Molecular Genetics and Genomics, ARUP Laboratories
Classification: Benign for Cole-Carpenter syndrome 1. Last evaluated: 2025-04-28. Review status: criteria provided, single submitter. Criteria: ARUP Molecular Germline Variant Investigation Process 2024. Collection method: clinical testing. Allele origin: germline.

GeneDx
Classification: Likely benign. Last evaluated: 2021-06-20. Review status: criteria provided, single submitter. Criteria: GeneDx Variant Classification Process June 2021. Collection method: clinical testing. Allele origin: germline. Affected: yes.

Breakthrough Genomics
Classification: Likely benign. Review status: criteria provided, single submitter. Criteria: ACMG Guidelines, 2015. Collection method: not provided. Allele origin: germline. Inheritance: Autosomal dominant inheritance. Affected: yes.

PreventionGenetics, part of Exact Sciences
Classification: Likely benign for P4HB-related condition. Last evaluated: 2019-03-11. Review status: no assertion criteria provided. Collection method: clinical testing. Allele origin: germline. Not counted in ClinVar's aggregate classification.
Comment: This variant is classified as likely benign based on ACMG/AMP sequence variant interpretation guidelines (Richards et al. 2015 PMID: 25741868, with internal and published modifications).

NM_000918.4(P4HB):c.303C>T (p.Thr101=)

Gene: P4HB (prolyl 4-hydroxylase subunit beta; minus strand). Cytogenetic location: 17q25.3.
Variant type: single nucleotide variant.
Coding change: c.303C>T on transcript NM_000918.4 (MANE Select); coding-DNA position 303, C replaced by T.
Protein change: p.Thr101=; no amino-acid change (threonine 101 retained).
Molecular consequence: synonymous variant.
Genome position (GRCh38, 1-based): chr17:81,859,230, G>A on the plus strand (C>T on the coding strand, the complement: P4HB is on the minus strand). VCF-style: chr17-81859230-G-A. GRCh37 (hg19) VCF-style: chr17-79817106-G-A.
Identifiers: ClinVar variation 717520 (VCV000717520.16), dbSNP rs145332986, ClinGen allele CA8843028.